The following is an entry in ClinVar:

NM_130810.4(DNAAF4):c.779A>G (p.Glu260Gly)

Genes: DNAAF4 (dynein axonemal assembly factor 4; minus strand), DNAAF4-CCPG1 (DNAAF4-CCPG1 readthrough (NMD candidate); minus strand). Cytogenetic location: 15q21.3.
Variant type: single nucleotide variant.
Coding change: c.779A>G on transcript NM_130810.4 (MANE Select); coding-DNA position 779, A replaced by G.
Protein change: p.Glu260Gly; replaces glutamic acid 260 with glycine.
Molecular consequence: missense variant. On other transcripts: non-coding transcript variant (1).
Genome position (GRCh38, 1-based): chr15:55,450,226, T>C on the plus strand (A>G on the coding strand, the complement: DNAAF4 is on the minus strand). VCF-style: chr15-55450226-T-C. GRCh37 (hg19) VCF-style: chr15-55742424-T-C.
Other names: c.779A>G, p.Glu260Gly (NM_001033559.3, NM_001033560.2); short protein forms E260G.
Identifiers: ClinVar variation 1468527 (VCV001468527.6), dbSNP rs1195858930, ClinGen allele CA392550552.

ClinVar aggregate classification (germline): Uncertain significance (1 of 4 stars; one submission).

Allele frequency attached by ClinVar (database versions not stated): TOPMed below 0.00001; gnomAD 0.00001.
gnomAD v4.1: 1 of 1,609,456 alleles (0.000062%); highest among the groups gnomAD compares: Non-Finnish European, 0.000085%; no homozygotes.

Submission:

Labcorp Genetics (formerly Invitae), Labcorp
Classification: Uncertain significance. Last evaluated: 2024-06-17. Review status: criteria provided, single submitter. Criteria: Invitae Variant Classification Sherloc (09022015). Collection method: clinical testing. Allele origin: germline.
Comment: This sequence change replaces glutamic acid, which is acidic and polar, with glycine, which is neutral and non-polar, at codon 260 of the DNAAF4 protein (p.Glu260Gly). This variant is not present in population databases (gnomAD no frequency). This variant has not been reported in the literature in individuals affected with DNAAF4-related conditions. ClinVar contains an entry for this variant (Variation ID: 1468527). Advanced modeling of protein sequence and biophysical properties (such as structural, functional, and spatial information, amino acid conservation, physicochemical variation, residue mobility, and thermodynamic stability) performed at Invitae indicates that this missense variant is expected to disrupt DNAAF4 protein function with a positive predictive value of 80%. In summary, the available evidence is currently insufficient to determine the role of this variant in disease. Therefore, it has been classified as a Variant of Uncertain Significance.